The following is an entry in ClinVar:

ClinVar aggregate classification (germline): Uncertain significance. Review status: criteria provided, multiple submitters, no conflicts (2 of 4 stars). 3 submissions from 3 submitters: Uncertain significance (3). Last evaluated 2026-08-31.

Conditions:
Senior-Loken syndrome 7 (SLSN7). Identifiers: Orphanet 3156, MedGen C3150877, MONDO:0013326, OMIM 613615.
Bardet-Biedl syndrome 16 (BBS16). Identifiers: Orphanet 110, MedGen C3889474, MONDO:0014444, OMIM 615993.
SDCCAG8-related disorder. Also called: SDCCAG8-Related Disorders; SDCCAG8-related condition.
Inborn genetic diseases. Identifiers: MedGen C0950123, MeSH D030342.

Allele frequency attached by ClinVar (database versions not stated): ExAC 0.00001; gnomAD 0.00001; gnomAD exomes 0.00001; TOPMed 0.00001.
gnomAD v4.1: 9 of 1,612,446 alleles (0.00056%); highest among the groups gnomAD compares: Admixed American, 0.012%; no homozygotes.

Submissions (3):

PreventionGenetics, part of Exact Sciences
Classification: Uncertain significance for SDCCAG8-related condition. Last evaluated: 2026-08-31. Review status: criteria provided, single submitter. Criteria: ACMG Guidelines, 2015. Collection method: clinical testing. Allele origin: germline.
Comment: The SDCCAG8 c.1358T>C variant is predicted to result in the amino acid substitution p.Val453Ala. To our knowledge, this variant has not been reported in the literature. This variant is reported in 0.014% of alleles in individuals of Latino descent in gnomAD. At this time, the clinical significance of this variant is uncertain due to the absence of conclusive functional and genetic evidence.

Ambry Genetics
Classification: Uncertain significance for Inborn genetic diseases. Last evaluated: 2025-06-17. Review status: criteria provided, single submitter. Criteria: Ambry Variant Classification Scheme 2023. Collection method: clinical testing. Allele origin: germline.

Labcorp Genetics (formerly Invitae), Labcorp
Classification: Uncertain significance for Bardet-Biedl syndrome 16; Senior-Loken syndrome 7. Last evaluated: 2022-06-09. Review status: criteria provided, single submitter. Criteria: Invitae Variant Classification Sherloc (09022015). Collection method: clinical testing. Allele origin: germline.
Comment: In summary, the available evidence is currently insufficient to determine the role of this variant in disease. Therefore, it has been classified as a Variant of Uncertain Significance. Algorithms developed to predict the effect of missense changes on protein structure and function are either unavailable or do not agree on the potential impact of this missense change (SIFT: "Tolerated"; PolyPhen-2: "Possibly Damaging"; Align-GVGD: "Class C0"). This variant has not been reported in the literature in individuals affected with SDCCAG8-related conditions. This variant is present in population databases (rs777367811, gnomAD 0.01%). This sequence change replaces valine, which is neutral and non-polar, with alanine, which is neutral and non-polar, at codon 453 of the SDCCAG8 protein (p.Val453Ala).

NM_006642.5(SDCCAG8):c.1358T>C (p.Val453Ala)

Gene: SDCCAG8 (SHH signaling and ciliogenesis regulator SDCCAG8; plus strand). Cytogenetic location: 1q43.
Variant type: single nucleotide variant.
Coding change: c.1358T>C on transcript NM_006642.5 (MANE Select); coding-DNA position 1358, T replaced by C.
Protein change: p.Val453Ala; replaces valine 453 with alanine.
Molecular consequence: missense variant.
Genome position (GRCh38, 1-based): chr1:243,344,216, T>C. VCF-style: chr1-243344216-T-C. GRCh37 (hg19) VCF-style: chr1-243507518-T-C.
Other names: c.455T>C, p.Val152Ala (NM_001350246.2, NM_001350247.2, NM_001350251.2); c.1454T>C, p.Val485Ala (NM_001350248.2); c.1064T>C, p.Val355Ala (NM_001350249.2); c.1358T>C (NM_006642.3); short protein forms V485A, V152A, V355A, V453A.
Identifiers: ClinVar variation 1984555 (VCV001984555.6), dbSNP rs777367811, ClinGen allele CA1483633.
Genomic context (GRCh38, chr1:243,344,216, plus strand): 5'-TGCAGGCATTGCCTGGTAGATTCCAGCAGGTAATCATCCAGTTTTTTACAATCTAACAGG[T>C]GTGTGGAGAAATGCGCTATCAGCTGAATAAAACCAACATGGAGAAGGATGAGGCAGAAAA-3'
Protein context (NP_006633.1, residues 443-463): LASREMDVTK[Val453Ala]CGEMRYQLNK